The following is an entry in ClinVar:

NC_000016.10:g.(?_68645380)_(68867220_?)dup

Genes: CDH1 (cadherin 1; plus strand), CDH3 (cadherin 3; plus strand), TANGO6 (transport and golgi organization 6 homolog; plus strand). Cytogenetic location: 16q22.1.
Variant type: Duplication.
Identifiers: ClinVar variation 832134 (VCV000832134.2).

ClinVar aggregate classification (germline): Uncertain significance (1 of 4 stars; one submission).

Submission:

Labcorp Genetics (formerly Invitae), Labcorp
Classification: Uncertain significance. Last evaluated: 2019-11-13. Review status: criteria provided, single submitter. Criteria: Invitae Variant Classification Sherloc (09022015). Collection method: clinical testing. Allele origin: germline.
Comment: This variant results in a copy number gain of the genomic region encompassing the full coding sequence of the CDH3 gene. The boundaries of this event are unknown as they extend beyond the assayed region for this gene and therefore may encompass additional genes. As the precise location of this event is unknown, it may be in tandem or it may be located elsewhere in the genome. This variant has not been reported in the literature in individuals with CDH3-related conditions. In summary, the available evidence is currently insufficient to determine the role of this variant in disease. Therefore, it has been classified as a Variant of Uncertain Significance.